The following is an entry in ClinVar:

NM_002458.3(MUC5B):c.5487G>T (p.Glu1829Asp)

Genes: MUC5B (mucin 5B, oligomeric mucus/gel-forming; plus strand), MUC5B-AS1 (MUC5B antisense RNA 1; minus strand). Cytogenetic location: 11p15.5.
Variant type: single nucleotide variant.
Coding change: c.5487G>T on transcript NM_002458.3 (MANE Select); coding-DNA position 5487, G replaced by T.
Protein change: p.Glu1829Asp; replaces glutamic acid 1829 with aspartic acid.
Molecular consequence: missense variant. On other transcripts: non-coding transcript variant (1).
Genome position (GRCh38, 1-based): chr11:1,242,367, G>T. VCF-style: chr11-1242367-G-T. GRCh37 (hg19) VCF-style: chr11-1263597-G-T.
Other names: short protein forms E1829D.
Identifiers: ClinVar variation 2641203 (VCV002641203.24), dbSNP rs2494208797, ClinGen allele CA379055356.

ClinVar aggregate classification (germline): Uncertain significance (1 of 4 stars; one submission).

gnomAD v4.1: 2 of 1,613,898 alleles (0.00012%); no homozygotes.

Submission:

CeGaT Center for Human Genetics Tuebingen
Classification: Uncertain significance. Last evaluated: 2023-09-01. Review status: criteria provided, single submitter. Criteria: CeGaT Center For Human Genetics Tuebingen Variant Classification Criteria Version 2. Collection method: clinical testing. Allele origin: germline. Affected: yes. Observed: 1 variant allele.
Comment: MUC5B: PM2, BP4